The following is an entry in ClinVar:

NM_006231.4(POLE):c.1280C>T (p.Ala427Val)

Gene: POLE (DNA polymerase epsilon, catalytic subunit; minus strand). Cytogenetic location: 12q24.33.
Variant type: single nucleotide variant.
Coding change: c.1280C>T on transcript NM_006231.4 (MANE Select); coding-DNA position 1280, C replaced by T.
Protein change: p.Ala427Val; replaces alanine 427 with valine.
Molecular consequence: missense variant.
Genome position (GRCh38, 1-based): chr12:132,673,654, G>A on the plus strand (C>T on the coding strand, the complement: POLE is on the minus strand). VCF-style: chr12-132673654-G-A. GRCh37 (hg19) VCF-style: chr12-133250240-G-A.
Other names: short protein forms A427V.
Identifiers: ClinVar variation 240385 (VCV000240385.33), dbSNP rs878854841, ClinGen allele CA10583019.
Genomic context (GRCh38, chr12:132,673,654, plus strand): 5'-ATCCGGCACATGTCCTCCGGGTCTAGCTCCACGGGATCATAGCCTAGCTTGGCCTTGGCG[G>A]CCGCCTTGAGATTATGACTGCCCACAGGAAGGTAACTGTCCCTCTTCACCCACCTGGAAG-3'
Protein context (NP_006222.2, residues 417-437): LPVGSHNLKA[Ala427Val]AKAKLGYDPV

ClinVar aggregate classification (germline): Uncertain significance. Review status: criteria provided, multiple submitters, no conflicts (2 of 4 stars). 7 submissions from 7 submitters: Uncertain significance (7). Last evaluated 2026-01-08.

Conditions:
Colorectal cancer, susceptibility to, 12 (CRCS12). Also called: COLORECTAL CANCER, SUSCEPTIBILITY TO, ON CHROMOSOME 12q24. Identifiers: Orphanet 220460, MedGen C3554460, MONDO:0014038, OMIM 615083.
Hereditary cancer-predisposing syndrome. Also called: Tumor predisposition; Hereditary neoplastic syndrome; Hereditary Cancer Syndrome; Neoplastic Syndromes, Hereditary. Identifiers: Orphanet 140162, MedGen C0027672, MeSH D009386, MONDO:0015356.

Allele frequency attached by ClinVar (database versions not stated): gnomAD 0.00001; gnomAD exomes below 0.00001; TOPMed 0.00001.
gnomAD v4.1: 7 of 1,613,834 alleles (0.00043%); highest among the groups gnomAD compares: African/African-American, 0.0013%; no homozygotes.

Submissions (7):

Labcorp Genetics (formerly Invitae), Labcorp
Classification: Uncertain significance. Last evaluated: 2026-01-08. Review status: criteria provided, single submitter. Criteria: Invitae Variant Classification Sherloc (09022015). Collection method: clinical testing. Allele origin: germline.
Comment: This sequence change replaces alanine, which is neutral and non-polar, with valine, which is neutral and non-polar, at codon 427 of the POLE protein (p.Ala427Val). This variant is present in population databases (no rsID available, gnomAD 0.002%). This missense change has been observed in individual(s) with clinical features of POLE-related conditions (PMID: 27720647). ClinVar contains an entry for this variant (Variation ID: 240385). Invitae Evidence Modeling of protein sequence and biophysical properties (such as structural, functional, and spatial information, amino acid conservation, physicochemical variation, residue mobility, and thermodynamic stability) indicates that this missense variant is not expected to disrupt POLE protein function with a negative predictive value of 80%. In summary, the available evidence is currently insufficient to determine the role of this variant in disease. Therefore, it has been classified as a Variant of Uncertain Significance.

Ambry Genetics
Classification: Uncertain significance for Hereditary cancer-predisposing syndrome. Last evaluated: 2026-01-07. Review status: criteria provided, single submitter. Criteria: Ambry Variant Classification Scheme 2023. Collection method: clinical testing. Allele origin: germline.
Comment: The p.A427V variant (also known as c.1280C>T), located in coding exon 13 of the POLE gene, results from a C to T substitution at nucleotide position 1280. The alanine at codon 427 is replaced by valine, an amino acid with similar properties. This amino acid position is highly conserved in available vertebrate species. In addition, the in silico prediction for this alteration is inconclusive. Based on the available evidence, the clinical significance of this variant remains unclear.

GeneDx
Classification: Uncertain significance. Last evaluated: 2024-11-18. Review status: criteria provided, single submitter. Criteria: GeneDx Variant Classification Process June 2021. Collection method: clinical testing. Allele origin: germline. Affected: yes.
Comment: Not observed at significant frequency in large population cohorts (gnomAD); In silico analysis indicates that this missense variant does not alter protein structure/function; Identified in an individual undergoing hereditary cancer panel testing (PMID: 27720647); This variant is associated with the following publications: (PMID: 20951805, 11988770, 27720647)

Baylor Genetics
Classification: Uncertain significance for Colorectal cancer, susceptibility to, 12. Last evaluated: 2024-01-26. Review status: criteria provided, single submitter. Criteria: ACMG Guidelines, 2015. Collection method: clinical testing. Allele origin: unknown.

Quest Diagnostics Nichols Institute San Juan Capistrano
Classification: Uncertain significance. Last evaluated: 2023-05-12. Review status: criteria provided, single submitter. Criteria: Quest Diagnostics criteria. Collection method: clinical testing. Allele origin: unknown.
Comment: The frequency of this variant in the general population, 0.0000071 (2/282676 chromosomes), is uninformative in assessment of its pathogenicity. In the published literature, the variant has been reported in an individual undergoing hereditary cancer screening (PMID: 27720647 (2016)). Analysis of this variant using bioinformatics tools for the prediction of the effect of amino acid changes on protein structure and function yielded predictions that this variant is benign. Based on the available information, we are unable to determine the clinical significance of this variant.

Laboratory for Molecular Medicine, Mass General Brigham Personalized Medicine
Classification: Uncertain significance. Last evaluated: 2018-10-18. Review status: criteria provided, single submitter. Criteria: LMM Criteria. Collection method: clinical testing. Allele origin: germline. Observed: 1 variant allele.
Comment: The p.Ala427Val variant in POLE has been reported in one individual who underwen t genetic testing for hereditary cancer (Mu 2016). This variant has also been re ported by other clinical laboratories in ClinVar (Variation ID: 240385) and has been identified in 2/126678 European chromosomes by gnomAD. Computational prediction tools and conservation analysis do not p rovide strong support for or against an impact to the protein. In summary, the c linical significance of the p.Ala427Val variant is uncertain. ACMG/AMP Criteria applied: PM2.

Eurofins Ntd Llc (ga)
Classification: Uncertain significance. Last evaluated: 2017-08-21. Review status: criteria provided, single submitter. Criteria: EGL Classification Definitions 2015. Collection method: clinical testing. Allele origin: germline. Observed: 1 variant allele, 1 heterozygote.

Literature cited by the submitters: PubMed 27720647 (cited by 4 submitters).